The following is an entry in ClinVar:

ClinVar aggregate classification (germline): Likely benign (1 of 4 stars; one submission).

Submission:

GeneDx
Classification: Likely benign. Last evaluated: 2015-12-24. Review status: criteria provided, single submitter. Criteria: GeneDx Variant Classification (06012015). Collection method: clinical testing. Allele origin: germline. Affected: yes.
Comment: This variant is considered likely benign or benign based on one or more of the following criteria: it is a conservative change, it occurs at a poorly conserved position in the protein, it is predicted to be benign by multiple in silico algorithms, and/or has population frequency not consistent with disease.

NM_000548.5(TSC2):c.-51_-36delinsCGCGCTC

Genes: TSC2 (TSC complex subunit 2; plus strand), LOC130058210 (ATAC-STARR-seq lymphoblastoid silent region 7024; plus strand). Cytogenetic location: 16p13.3.
Variant type: Indel.
Coding change: c.-51_-36delinsCGCGCTC on transcript NM_000548.5 (MANE Select); 51 bases upstream of the start codon through 36 bases upstream of the start codon, GAGCGCGGTGGCGCGG replaced by CGCGCTC.
Molecular consequence: 5 prime UTR variant.
Genome position (GRCh38, 1-based): chr16:2,048,044-2,048,059, GAGCGCGGTGGCGCGG replaced by CGCGCTC. VCF-style: chr16-2048044-GAGCGCGGTGGCGCGG-CGCGCTC. GRCh37 (hg19) VCF-style: chr16-2098045-GAGCGCGGTGGCGCGG-CGCGCTC.
Other names: c.-51_-36delinsCGCGCTC (NM_001077183.3, NM_001114382.3, NM_001318827.2 and 4 more transcripts); c.-31_-16delinsCGCGCTC (NM_001318829.2); c.-277_-262delinsCGCGCTC (NM_001318831.2).
Identifiers: ClinVar variation 420318 (VCV000420318.1), dbSNP rs1064794412, ClinGen allele CA16620081.